The following is an entry in ClinVar:

ClinVar aggregate classification (germline): Uncertain significance (1 of 4 stars; one submission).

Submission:

CeGaT Center for Human Genetics Tuebingen
Classification: Uncertain significance. Last evaluated: 2025-04-01. Review status: criteria provided, single submitter. Criteria: CeGaT Center For Human Genetics Tuebingen Variant Classification Criteria Version 2. Collection method: clinical testing. Allele origin: germline. Affected: yes. Observed: 2 variant alleles.
Comment: WLS: PM2

NM_024911.7(WLS):c.496T>C (p.Ser166Pro)

Genes: GNG12-AS1 (GNG12, DIRAS3 and WLS antisense RNA 1; plus strand), WLS (Wnt ligand secretion mediator; minus strand). Cytogenetic location: 1p31.3.
Variant type: single nucleotide variant.
Coding change: c.496T>C on transcript NM_024911.7 (MANE Select); coding-DNA position 496, T replaced by C.
Protein change: p.Ser166Pro; replaces serine 166 with proline.
Molecular consequence: missense variant.
Genome position (GRCh38, 1-based): chr1:68,159,131, A>G on the plus strand (T>C on the coding strand, the complement: WLS is on the minus strand). VCF-style: chr1-68159131-A-G. GRCh37 (hg19) VCF-style: chr1-68624814-A-G.
Other names: c.490T>C, p.Ser164Pro (NM_001002292.4); c.223T>C, p.Ser75Pro (NM_001193334.1); short protein forms S164P, S166P, S75P.
Identifiers: ClinVar variation 3898664 (VCV003898664.7).